The following is an entry in ClinVar:

ClinVar aggregate classification (germline): Uncertain significance. Review status: criteria provided, multiple submitters, no conflicts (2 of 4 stars). 2 submissions from 2 submitters: Uncertain significance (2). Last evaluated 2026-07-06.

Conditions:
Hereditary cancer-predisposing syndrome. Also called: Tumor predisposition; Hereditary neoplastic syndrome; Hereditary Cancer Syndrome; Neoplastic Syndromes, Hereditary. Identifiers: Orphanet 140162, MedGen C0027672, MeSH D009386, MONDO:0015356.
Juvenile polyposis syndrome (JPS). Identifiers: Orphanet 2929, MedGen C0345893, MONDO:0017380, OMIM 174900.

Submissions (2):

Ambry Genetics
Classification: Uncertain significance for Hereditary cancer-predisposing syndrome. Last evaluated: 2026-07-06. Review status: criteria provided, single submitter. Criteria: Ambry Variant Classification Scheme 2023. Collection method: clinical testing. Allele origin: germline.
Comment: The p.D192N variant (also known as c.574G>A), located in coding exon 6 of the BMPR1A gene, results from a G to A substitution at nucleotide position 574. The aspartic acid at codon 192 is replaced by asparagine, an amino acid with highly similar properties. This amino acid position is conserved. In addition, this alteration is predicted to be tolerated by in silico analysis. Based on the available evidence, the clinical significance of this variant remains unclear.

Labcorp Genetics (formerly Invitae), Labcorp
Classification: Uncertain significance for Juvenile polyposis syndrome. Last evaluated: 2024-12-18. Review status: criteria provided, single submitter. Criteria: Invitae Variant Classification Sherloc (09022015). Collection method: clinical testing. Allele origin: germline.
Comment: This sequence change replaces aspartic acid, which is acidic and polar, with asparagine, which is neutral and polar, at codon 192 of the BMPR1A protein (p.Asp192Asn). This variant is not present in population databases (gnomAD no frequency). This variant has not been reported in the literature in individuals affected with BMPR1A-related conditions. Invitae Evidence Modeling of protein sequence and biophysical properties (such as structural, functional, and spatial information, amino acid conservation, physicochemical variation, residue mobility, and thermodynamic stability) indicates that this missense variant is not expected to disrupt BMPR1A protein function with a negative predictive value of 80%. In summary, the available evidence is currently insufficient to determine the role of this variant in disease. Therefore, it has been classified as a Variant of Uncertain Significance.

NM_004329.3(BMPR1A):c.574G>A (p.Asp192Asn)

Gene: BMPR1A (bone morphogenetic protein receptor type 1A; plus strand). Cytogenetic location: 10q23.2.
Variant type: single nucleotide variant.
Coding change: c.574G>A on transcript NM_004329.3 (MANE Select); coding-DNA position 574, G replaced by A.
Protein change: p.Asp192Asn; replaces aspartic acid 192 with asparagine.
Molecular consequence: missense variant. On other transcripts: non-coding transcript variant (3), intron variant (1).
Genome position (GRCh38, 1-based): chr10:86,912,283, G>A. VCF-style: chr10-86912283-G-A. GRCh37 (hg19) VCF-style: chr10-88672040-G-A.
Other names: c.574G>A, p.Asp192Asn (NM_001406582.1, NM_001406583.1, NM_001406568.1 and 20 more transcripts); c.490G>A, p.Asp164Asn (NM_001406584.1, NM_001406585.1, NM_001406586.1 and 2 more transcripts); c.334-4851G>A (NM_001406589.1); c.649G>A, p.Asp217Asn (NM_001406559.1); c.622G>A, p.Asp208Asn (NM_001406560.1); short protein forms D164N, D192N, D208N, D217N.
Identifiers: ClinVar variation 3667058 (VCV003667058.3).
Genomic context (GRCh38, chr10:86,912,283, plus strand): 5'-TTCTGCTTTTTTAAAAGACATTATTGCAAGAGCATCTCAAGCAGACGTCGTTACAATCGT[G>A]ATTTGGAACAGGATGAAGCATTTATTCCAGTTGGAGAATCACTAAAAGACCTTATTGACC-3'
Protein context (NP_004320.2, residues 182-202): SISSRRRYNR[Asp192Asn]LEQDEAFIPV